The following is an entry in ClinVar:

ClinVar aggregate classification (germline): Uncertain significance. Review status: criteria provided, single submitter (1 of 4 stars). 2 submissions from 2 submitters: Uncertain significance (1). 1 of the submissions does not count toward it. Last evaluated 2025-09-15.

Conditions:
PPARG-related disorder. Also called: PPARG-related disorders; PPARG-related condition.

Allele frequency attached by ClinVar (database versions not stated): gnomAD 0.00001; TOPMed 0.00001; ExAC 0.00003; gnomAD exomes 0.00004.
gnomAD v4.1: 55 of 1,613,920 alleles (0.0034%); highest among the groups gnomAD compares: Non-Finnish European, 0.0044%; no homozygotes.

Submissions (2):

Labcorp Genetics (formerly Invitae), Labcorp
Classification: Uncertain significance. Last evaluated: 2025-09-15. Review status: criteria provided, single submitter. Criteria: Invitae Variant Classification Sherloc (09022015). Collection method: clinical testing. Allele origin: germline.
Comment: This sequence change replaces leucine, which is neutral and non-polar, with phenylalanine, which is neutral and non-polar, at codon 361 of the PPARG protein (p.Leu361Phe). This variant is present in population databases (rs780294601, gnomAD 0.009%). This missense change has been observed in individual(s) with dyslipidemia (PMID: 32041611, 36325899). ClinVar contains an entry for this variant (Variation ID: 3057846). Invitae Evidence Modeling of protein sequence and biophysical properties (such as structural, functional, and spatial information, amino acid conservation, physicochemical variation, residue mobility, and thermodynamic stability) indicates that this missense variant is not expected to disrupt PPARG protein function with a negative predictive value of 95%. In summary, the available evidence is currently insufficient to determine the role of this variant in disease. Therefore, it has been classified as a Variant of Uncertain Significance.

PreventionGenetics, part of Exact Sciences
Classification: Uncertain significance for PPARG-related condition. Last evaluated: 2024-02-08. Review status: no assertion criteria provided. Collection method: clinical testing. Allele origin: germline. Not counted in ClinVar's aggregate classification.
Comment: The PPARG c.1083G>C variant is predicted to result in the amino acid substitution p.Leu361Phe. This variant has been reported with uncertain significance in a study of individuals with dyslipidemia and metabolic disorders (Supplementary Table 4, Dron et al. 2020. PubMed ID: 32041611). This variant is reported in 0.0088% of alleles in individuals of European (Non-Finnish) descent in gnomAD. At this time, the clinical significance of this variant is uncertain due to the absence of conclusive functional and genetic evidence.

Literature cited by the submitters: PubMed 32041611 (cited by Labcorp Genetics (formerly Invitae), Labcorp); PubMed 36325899 (cited by Labcorp Genetics (formerly Invitae), Labcorp).

NM_138711.6(PPARG):c.993G>C (p.Leu331Phe)

Gene: PPARG (peroxisome proliferator activated receptor gamma; plus strand). Cytogenetic location: 3p25.2.
Variant type: single nucleotide variant.
Coding change: c.993G>C on transcript NM_138711.6 (MANE Select); coding-DNA position 993, G replaced by C.
Protein change: p.Leu331Phe; replaces leucine 331 with phenylalanine.
Molecular consequence: missense variant. On other transcripts: intron variant (5).
Genome position (GRCh38, 1-based): chr3:12,416,967, G>C. VCF-style: chr3-12416967-G-C. GRCh37 (hg19) VCF-style: chr3-12458466-G-C.
Other names: c.993G>C, p.Leu331Phe (NM_001354666.3, NM_001354667.3, NM_001374263.2 and 3 more transcripts); c.366G>C, p.Leu122Phe (NM_001354669.2); c.1083G>C, p.Leu361Phe (NM_015869.5); c.729+10886G>C (NM_001374261.3, NM_001374262.3, NM_001330615.4); c.653+10968G>C (NM_001374266.1); c.819+10886G>C (NM_001374265.1); short protein forms L122F, L331F, L361F.
Identifiers: ClinVar variation 3057846 (VCV003057846.3), dbSNP rs780294601, ClinGen allele CA2258308.